The following is an entry in ClinVar:

NM_001430.5(EPAS1):c.1425C>A (p.Ser475Arg)

Gene: EPAS1 (endothelial PAS domain protein 1; plus strand). Cytogenetic location: 2p21.
Variant type: single nucleotide variant.
Coding change: c.1425C>A on transcript NM_001430.5 (MANE Select); coding-DNA position 1425, C replaced by A.
Protein change: p.Ser475Arg; replaces serine 475 with arginine.
Molecular consequence: missense variant.
Genome position (GRCh38, 1-based): chr2:46,378,069, C>A. VCF-style: chr2-46378069-C-A. GRCh37 (hg19) VCF-style: chr2-46605208-C-A.
Other names: short protein forms S475R.
Identifiers: ClinVar variation 1772348 (VCV001772348.2), dbSNP rs1451719350, ClinGen allele CA346704054.

ClinVar aggregate classification (germline): Uncertain significance (1 of 4 stars; one submission).

Conditions:
Inborn genetic diseases. Identifiers: MedGen C0950123, MeSH D030342.

Allele frequency attached by ClinVar (database versions not stated): TOPMed below 0.00001; gnomAD 0.00001.

Submission:

Ambry Genetics
Classification: Uncertain significance for Inborn genetic diseases. Last evaluated: 2022-03-16. Review status: criteria provided, single submitter. Criteria: Ambry Variant Classification Scheme 2023. Collection method: clinical testing. Allele origin: germline.
Comment: The p.S475R variant (also known as c.1425C>A), located in coding exon 10 of the EPAS1 gene, results from a C to A substitution at nucleotide position 1425. The serine at codon 475 is replaced by arginine, an amino acid with dissimilar properties. This amino acid position is conserved. In addition, the in silico prediction for this alteration is inconclusive. Since supporting evidence is limited at this time, the clinical significance of this alteration remains unclear.